The following is an entry in ClinVar:

NM_002936.6(RNASEH1):c.298C>G (p.Arg100Gly)

Gene: RNASEH1 (ribonuclease H1; minus strand). Cytogenetic location: 2p25.3.
Variant type: single nucleotide variant.
Coding change: c.298C>G on transcript NM_002936.6 (MANE Select); coding-DNA position 298, C replaced by G.
Protein change: p.Arg100Gly; replaces arginine 100 with glycine.
Molecular consequence: missense variant. On other transcripts: 5 prime UTR variant (1), non-coding transcript variant (7).
Genome position (GRCh38, 1-based): chr2:3,552,255, G>C on the plus strand (C>G on the coding strand, the complement: RNASEH1 is on the minus strand). VCF-style: chr2-3552255-G-C. GRCh37 (hg19) VCF-style: chr2-3599845-G-C.
Other names: c.220C>G, p.Arg74Gly (NM_001286834.3); c.-54C>G (NM_001286837.3); c.298C>G, p.Arg100Gly (NM_001378271.1, NM_001378272.1, NM_001378273.1); short protein forms R100G, R74G.
Identifiers: ClinVar variation 1953756 (VCV001953756.3), dbSNP rs199761578, ClinGen allele CA1516332.
Genomic context (GRCh38, chr2:3,552,255, plus strand): 5'-GCTTCATGTGCTTTGCATACGGCTCTGCGCTTTCATGTCCATCTCCATCCAGTGGCTCAC[G>C]GAGTCGCTTGCTGGCTTTCGCCTCCGATTCTTGTCCATGTTGATTTTCATGCCCTGAAAG-3'
Protein context (NP_002927.2, residues 90-110): ESEAKASKRL[Arg100Gly]EPLDGDGHES

ClinVar aggregate classification (germline): Uncertain significance (1 of 4 stars; one submission).

gnomAD v4.1: 1 of 1,613,968 alleles (0.000062%); highest among the groups gnomAD compares: Non-Finnish European, 0.000085%; no homozygotes.

Submission:

Labcorp Genetics (formerly Invitae), Labcorp
Classification: Uncertain significance. Last evaluated: 2022-08-06. Review status: criteria provided, single submitter. Criteria: Invitae Variant Classification Sherloc (09022015). Collection method: clinical testing. Allele origin: germline.
Comment: This variant has not been reported in the literature in individuals affected with RNASEH1-related conditions. In summary, the available evidence is currently insufficient to determine the role of this variant in disease. Therefore, it has been classified as a Variant of Uncertain Significance. Algorithms developed to predict the effect of sequence changes on RNA splicing suggest that this variant may create or strengthen a splice site. Algorithms developed to predict the effect of missense changes on protein structure and function (SIFT, PolyPhen-2, Align-GVGD) all suggest that this variant is likely to be tolerated. This variant is not present in population databases (gnomAD no frequency). This sequence change replaces arginine, which is basic and polar, with glycine, which is neutral and non-polar, at codon 100 of the RNASEH1 protein (p.Arg100Gly).